The following is an entry in ClinVar:

NM_001142800.2(EYS):c.8689T>C (p.Phe2897Leu)

Genes: EYS (EGF-like photoreceptor maintenance factor; minus strand), PHF3 (PHD finger protein 3; plus strand). Cytogenetic location: 6q12.
Variant type: single nucleotide variant.
Coding change: c.8689T>C on transcript NM_001142800.2 (MANE Select); coding-DNA position 8689, T replaced by C.
Protein change: p.Phe2897Leu; replaces phenylalanine 2897 with leucine.
Molecular consequence: missense variant. On other transcripts: 3 prime UTR variant (5).
Genome position (GRCh38, 1-based): chr6:63,721,342, A>G on the plus strand (T>C on the coding strand, the complement: EYS is on the minus strand). VCF-style: chr6-63721342-A-G. GRCh37 (hg19) VCF-style: chr6-64431238-A-G.
Other names: c.*7634A>G (NM_001290259.2, NM_001370348.2, NM_001370349.2 and 2 more transcripts); c.8752T>C, p.Phe2918Leu (NM_001292009.2); short protein forms F2918L, F2897L.
Identifiers: ClinVar variation 1420662 (VCV001420662.8), dbSNP rs1207064455, ClinGen allele CA364384202.
Genomic context (GRCh38, chr6:63,721,342, plus strand): 5'-AACAGGACACAGACTGGTTACATGTATTTCCAGCCCAATCTGGCAAACATCTGCAAGAAA[A>G]AGTTGTGCCATTTACTGTACATTCACCTCCATTTCTGCATGTGTTGTACCCACAGGCTGT-3'
Protein context (NP_001136272.1, residues 2887-2907): GGECTVNGTT[Phe2897Leu]SCRCLPDWAG

ClinVar aggregate classification (germline): Uncertain significance (1 of 4 stars; one submission).

Allele frequency attached by ClinVar (database versions not stated): TOPMed 0.00001.

Submission:

Labcorp Genetics (formerly Invitae), Labcorp
Classification: Uncertain significance. Last evaluated: 2022-08-23. Review status: criteria provided, single submitter. Criteria: Invitae Variant Classification Sherloc (09022015). Collection method: clinical testing. Allele origin: germline.
Comment: Algorithms developed to predict the effect of missense changes on protein structure and function are either unavailable or do not agree on the potential impact of this missense change (SIFT: "Deleterious"; PolyPhen-2: "Possibly Damaging"; Align-GVGD: "Class C0"). ClinVar contains an entry for this variant (Variation ID: 1420662). This variant has not been reported in the literature in individuals affected with EYS-related conditions. This variant is not present in population databases (gnomAD no frequency). This sequence change replaces phenylalanine, which is neutral and non-polar, with leucine, which is neutral and non-polar, at codon 2897 of the EYS protein (p.Phe2897Leu). In summary, the available evidence is currently insufficient to determine the role of this variant in disease. Therefore, it has been classified as a Variant of Uncertain Significance.